The following is an entry in ClinVar:

ClinVar aggregate classification (germline): Uncertain significance. Review status: criteria provided, multiple submitters, no conflicts (2 of 4 stars). 2 submissions from 2 submitters: Uncertain significance (2). Last evaluated 2025-12-08.

Conditions:
Brugada syndrome 8 (BRGDA8). Identifiers: Orphanet 130, MedGen C2751083, MONDO:0013148, OMIM 613123.
Cardiovascular phenotype. Identifiers: MedGen CN230736.

Allele frequency attached by ClinVar (database versions not stated): gnomAD 0.00001; TOPMed 0.00001.
gnomAD v4.1: 5 of 1,608,524 alleles (0.00031%); highest among the groups gnomAD compares: Middle Eastern, 0.016%; no homozygotes.

Submissions (2):

Labcorp Genetics (formerly Invitae), Labcorp
Classification: Uncertain significance for Brugada syndrome 8. Last evaluated: 2025-12-08. Review status: criteria provided, single submitter. Criteria: Invitae Variant Classification Sherloc (09022015). Collection method: clinical testing. Allele origin: germline.
Comment: This sequence change replaces glycine, which is neutral and non-polar, with arginine, which is basic and polar, at codon 1176 of the HCN4 protein (p.Gly1176Arg). This variant is present in population databases (no rsID available, gnomAD 0.007%). This variant has not been reported in the literature in individuals affected with HCN4-related conditions. ClinVar contains an entry for this variant (Variation ID: 404126). Invitae Evidence Modeling of protein sequence and biophysical properties (such as structural, functional, and spatial information, amino acid conservation, physicochemical variation, residue mobility, and thermodynamic stability) indicates that this missense variant is not expected to disrupt HCN4 protein function with a negative predictive value of 95%. In summary, the available evidence is currently insufficient to determine the role of this variant in disease. Therefore, it has been classified as a Variant of Uncertain Significance.

Ambry Genetics
Classification: Uncertain significance for Cardiovascular phenotype. Last evaluated: 2022-11-02. Review status: criteria provided, single submitter. Criteria: Ambry Variant Classification Scheme 2023. Collection method: clinical testing. Allele origin: germline.
Comment: The p.G1176R variant (also known as c.3526G>C), located in coding exon 8 of the HCN4 gene, results from a G to C substitution at nucleotide position 3526. The glycine at codon 1176 is replaced by arginine, an amino acid with dissimilar properties. This amino acid position is conserved. In addition, the in silico prediction for this alteration is inconclusive. Since supporting evidence is limited at this time, the clinical significance of this alteration remains unclear.

NM_005477.3(HCN4):c.3526G>C (p.Gly1176Arg)

Gene: HCN4 (hyperpolarization activated cyclic nucleotide gated potassium channel 4; minus strand). Cytogenetic location: 15q24.1.
Variant type: single nucleotide variant.
Coding change: c.3526G>C on transcript NM_005477.3 (MANE Select); coding-DNA position 3526, G replaced by C.
Protein change: p.Gly1176Arg; replaces glycine 1176 with arginine.
Molecular consequence: missense variant.
Genome position (GRCh38, 1-based): chr15:73,322,567, C>G on the plus strand (G>C on the coding strand, the complement: HCN4 is on the minus strand). VCF-style: chr15-73322567-C-G. GRCh37 (hg19) VCF-style: chr15-73614908-C-G.
Other names: short protein forms G1176R.
Identifiers: ClinVar variation 404126 (VCV000404126.10), dbSNP rs1060500104, ClinGen allele CA16614912.